The following is an entry in ClinVar:

NM_033276.4(ATP23):c.114G>A (p.Gln38=)

Gene: ATP23 (ATP23 metallopeptidase and ATP synthase assembly factor homolog). Cytogenetic location: 12q14.1.
Variant type: single nucleotide variant.
Coding change: c.114G>A on transcript NM_033276.4 (MANE Select); coding-DNA position 114, G replaced by A.
Protein change: p.Gln38=; no amino-acid change (glutamine 38 retained).
Molecular consequence: synonymous variant. On other transcripts: 5 prime UTR variant (3).
Genome position (GRCh38, 1-based): chr12:57,941,815, G>A. VCF-style: chr12-57941815-G-A. GRCh37 (hg19) VCF-style: chr12-58335598-G-A.
Other names: c.-83G>A (NM_001320408.2); c.-195G>A (NM_001320409.2); c.-412G>A (NM_001320410.2).
Identifiers: ClinVar variation 2643152 (VCV002643152.24), dbSNP rs371570920, ClinGen allele CA6660728.

ClinVar aggregate classification (germline): Likely benign (1 of 4 stars; one submission).

Allele frequency attached by ClinVar (database versions not stated): gnomAD 0.00016; ESP Exome Variant Server 0.00025; ExAC 0.00026.
gnomAD v4.1: 223 of 1,612,588 alleles (0.014%); highest among the groups gnomAD compares: Middle Eastern, 0.017%; no homozygotes.

Submission:

CeGaT Center for Human Genetics Tuebingen
Classification: Likely benign. Last evaluated: 2022-03-01. Review status: criteria provided, single submitter. Criteria: CeGaT Center For Human Genetics Tuebingen Variant Classification Criteria Version 2. Collection method: clinical testing. Allele origin: germline. Affected: yes. Observed: 1 variant allele.
Comment: ATP23: BP4, BP7